The following is an entry in ClinVar:

NM_001378454.1(ALMS1):c.4936G>A (p.Ala1646Thr)

Gene: ALMS1 (ALMS1 centrosome and basal body associated protein; plus strand). Cytogenetic location: 2p13.1.
Variant type: single nucleotide variant.
Coding change: c.4936G>A on transcript NM_001378454.1 (MANE Select); coding-DNA position 4936, G replaced by A.
Protein change: p.Ala1646Thr; replaces alanine 1646 with threonine.
Molecular consequence: missense variant.
Genome position (GRCh38, 1-based): chr2:73,451,463, G>A. VCF-style: chr2-73451463-G-A. GRCh37 (hg19) VCF-style: chr2-73678590-G-A.
Other names: c.4939G>A, p.Ala1647Thr (NM_015120.4); short protein forms A1646T, A1647T.
Identifiers: ClinVar variation 1508608 (VCV001508608.4), dbSNP rs1461831032, ClinGen allele CA347279570.

ClinVar aggregate classification (germline): Uncertain significance. Review status: criteria provided, multiple submitters, no conflicts (2 of 4 stars). 2 submissions from 2 submitters: Uncertain significance (2). Last evaluated 2024-12-06.

Conditions:
Alstrom syndrome (ALMS). Identifiers: Orphanet 64, MedGen C0268425, MONDO:0008763, OMIM 203800.

Allele frequency attached by ClinVar (database versions not stated): TOPMed below 0.00001.

Submissions (2):

Women's Health and Genetics/Laboratory Corporation of America, LabCorp
Classification: Uncertain significance. Last evaluated: 2024-12-06. Review status: criteria provided, single submitter. Criteria: LabCorp Variant Classification Summary - May 2015. Collection method: clinical testing. Allele origin: germline.

Labcorp Genetics (formerly Invitae), Labcorp
Classification: Uncertain significance for Alstrom syndrome. Last evaluated: 2022-09-29. Review status: criteria provided, single submitter. Criteria: Invitae Variant Classification Sherloc (09022015). Collection method: clinical testing. Allele origin: germline.
Comment: This sequence change replaces alanine, which is neutral and non-polar, with threonine, which is neutral and polar, at codon 1647 of the ALMS1 protein (p.Ala1647Thr). This variant is not present in population databases (gnomAD no frequency). This variant has not been reported in the literature in individuals affected with ALMS1-related conditions. ClinVar contains an entry for this variant (Variation ID: 1508608). Algorithms developed to predict the effect of missense changes on protein structure and function output the following: SIFT: "Not Available"; PolyPhen-2: "Not Available"; Align-GVGD: "Not Available". The threonine amino acid residue is found in multiple mammalian species, which suggests that this missense change does not adversely affect protein function. In summary, the available evidence is currently insufficient to determine the role of this variant in disease. Therefore, it has been classified as a Variant of Uncertain Significance.